The following is an entry in ClinVar:

ClinVar aggregate classification (germline): Uncertain significance (1 of 4 stars; one submission).

Submission:

Labcorp Genetics (formerly Invitae), Labcorp
Classification: Uncertain significance. Last evaluated: 2024-01-14. Review status: criteria provided, single submitter. Criteria: Invitae Variant Classification Sherloc (09022015). Collection method: clinical testing. Allele origin: germline.
Comment: This sequence change replaces histidine, which is basic and polar, with glutamine, which is neutral and polar, at codon 741 of the SAMD9L protein (p.His741Gln). This variant is not present in population databases (gnomAD no frequency). This variant has not been reported in the literature in individuals affected with SAMD9L-related conditions. Advanced modeling of protein sequence and biophysical properties (such as structural, functional, and spatial information, amino acid conservation, physicochemical variation, residue mobility, and thermodynamic stability) performed at Invitae indicates that this missense variant is expected to disrupt SAMD9L protein function with a positive predictive value of 80%. In summary, the available evidence is currently insufficient to determine the role of this variant in disease. Therefore, it has been classified as a Variant of Uncertain Significance.

NM_152703.5(SAMD9L):c.2223T>A (p.His741Gln)

Gene: SAMD9L (sterile alpha motif domain containing 9 like; minus strand). Cytogenetic location: 7q21.2.
Variant type: single nucleotide variant.
Coding change: c.2223T>A on transcript NM_152703.5 (MANE Select); coding-DNA position 2223, T replaced by A.
Protein change: p.His741Gln; replaces histidine 741 with glutamine.
Molecular consequence: missense variant.
Genome position (GRCh38, 1-based): chr7:93,133,749, A>T on the plus strand (T>A on the coding strand, the complement: SAMD9L is on the minus strand). VCF-style: chr7-93133749-A-T. GRCh37 (hg19) VCF-style: chr7-92763062-A-T.
Other names: c.2223T>A, p.His741Gln (NM_001303496.3, NM_001303497.3, NM_001303498.3 and 5 more transcripts); short protein forms H741Q.
Identifiers: ClinVar variation 2880856 (VCV002880856.3), dbSNP rs761086022, ClinGen allele CA368192080.